The following is an entry in ClinVar:

NM_000400.4(ERCC2):c.1704T>A (p.Phe568Leu)

Gene: ERCC2 (ERCC excision repair 2, TFIIH core complex helicase subunit; minus strand). Cytogenetic location: 19q13.32.
Variant type: single nucleotide variant.
Coding change: c.1704T>A on transcript NM_000400.4 (MANE Select); coding-DNA position 1704, T replaced by A.
Protein change: p.Phe568Leu; replaces phenylalanine 568 with leucine.
Molecular consequence: missense variant.
Genome position (GRCh38, 1-based): chr19:45,353,296, A>T on the plus strand (T>A on the coding strand, the complement: ERCC2 is on the minus strand). VCF-style: chr19-45353296-A-T. GRCh37 (hg19) VCF-style: chr19-45856554-A-T.
Other names: short protein forms F568L.
Identifiers: ClinVar variation 3231654 (VCV003231654.1), dbSNP rs141944141, ClinGen allele CA406364463.

ClinVar aggregate classification (germline): Uncertain significance (1 of 4 stars; one submission).

Conditions:
Inborn genetic diseases. Identifiers: MedGen C0950123, MeSH D030342.

Submission:

Ambry Genetics
Classification: Uncertain significance for Inborn genetic diseases. Last evaluated: 2023-02-18. Review status: criteria provided, single submitter. Criteria: Ambry Variant Classification Scheme 2023. Collection method: clinical testing. Allele origin: germline.
Comment: The p.F568L variant (also known as c.1704T>A), located in coding exon 18 of the ERCC2 gene, results from a T to A substitution at nucleotide position 1704. The phenylalanine at codon 568 is replaced by leucine, an amino acid with highly similar properties. This amino acid position is conserved. In addition, the in silico prediction for this alteration is inconclusive. Since supporting evidence is limited at this time, the clinical significance of this alteration remains unclear.